The following is an entry in ClinVar:

NM_006231.4(POLE):c.6074T>G (p.Val2025Gly)

Gene: POLE (DNA polymerase epsilon, catalytic subunit; minus strand). Cytogenetic location: 12q24.33.
Variant type: single nucleotide variant.
Coding change: c.6074T>G on transcript NM_006231.4 (MANE Select); coding-DNA position 6074, T replaced by G.
Protein change: p.Val2025Gly; replaces valine 2025 with glycine.
Molecular consequence: missense variant.
Genome position (GRCh38, 1-based): chr12:132,632,726, A>C on the plus strand (T>G on the coding strand, the complement: POLE is on the minus strand). VCF-style: chr12-132632726-A-C. GRCh37 (hg19) VCF-style: chr12-133209312-A-C.
Other names: short protein forms V2025G.
Identifiers: ClinVar variation 950386 (VCV000950386.9), dbSNP rs2041959623, ClinGen allele CA387370609.
Genomic context (GRCh38, chr12:132,632,726, plus strand): 5'-GGAAGGGCTCCGACCGCCCCCTCGGCCTCCTGGGAGAGCTGGCTGGCCCCCCTCCTCCTC[A>C]CGGGGGTGCTCCCTGGAGCACTGCGCCTCAGCCCGTCCTTCATGCAGTGGTACACGGCCA-3'
Protein context (NP_006222.2, residues 2015-2035): LRRSAPGSTP[Val2025Gly]RRRGASQLSQ

ClinVar aggregate classification (germline): Uncertain significance (1 of 4 stars; one submission).

Submission:

Labcorp Genetics (formerly Invitae), Labcorp
Classification: Uncertain significance. Last evaluated: 2019-06-24. Review status: criteria provided, single submitter. Criteria: Invitae Variant Classification Sherloc (09022015). Collection method: clinical testing. Allele origin: germline.
Comment: In summary, the available evidence is currently insufficient to determine the role of this variant in disease. Therefore, it has been classified as a Variant of Uncertain Significance. Algorithms developed to predict the effect of missense changes on protein structure and function are either unavailable or do not agree on the potential impact of this missense change (SIFT: "Deleterious"; PolyPhen-2: "Benign"; Align-GVGD: "Class C0"). This variant has not been reported in the literature in individuals with POLE-related conditions. This variant is not present in population databases (ExAC no frequency). This sequence change replaces valine with glycine at codon 2025 of the POLE protein (p.Val2025Gly). The valine residue is weakly conserved and there is a moderate physicochemical difference between valine and glycine.